The following is an entry in ClinVar:

ClinVar aggregate classification (germline): Uncertain significance. Review status: criteria provided, multiple submitters, no conflicts (2 of 4 stars). 2 submissions from 2 submitters: Uncertain significance (2). Last evaluated 2025-12-09.

Conditions:
Severe combined immunodeficiency due to CORO1A deficiency. Also called: IMMUNODEFICIENCY 8 WITH LYMPHOPROLIFERATION; Immunodeficiency 8. Identifiers: Orphanet 228003, MedGen C3809383, MONDO:0014168, OMIM 615401.
Inborn genetic diseases. Identifiers: MedGen C0950123, MeSH D030342.

Allele frequency attached by ClinVar (database versions not stated): TOPMed 0.00001; gnomAD exomes 0.00002 and 0.00003; gnomAD 0.00001; ExAC 0.00003.
gnomAD v4.1: 27 of 1,613,272 alleles (0.0017%); highest among the groups gnomAD compares: Non-Finnish European, 0.0013%; no homozygotes.

Submissions (2):

Ambry Genetics
Classification: Uncertain significance for Inborn genetic diseases. Last evaluated: 2025-12-09. Review status: criteria provided, single submitter. Criteria: Ambry Variant Classification Scheme 2023. Collection method: clinical testing. Allele origin: germline.

Labcorp Genetics (formerly Invitae), Labcorp
Classification: Uncertain significance for Severe combined immunodeficiency due to CORO1A deficiency. Last evaluated: 2024-11-18. Review status: criteria provided, single submitter. Criteria: Invitae Variant Classification Sherloc (09022015). Collection method: clinical testing. Allele origin: germline.
Comment: This sequence change replaces alanine, which is neutral and non-polar, with valine, which is neutral and non-polar, at codon 385 of the CORO1A protein (p.Ala385Val). This variant is present in population databases (rs776691038, gnomAD 0.04%). This variant has not been reported in the literature in individuals affected with CORO1A-related conditions. ClinVar contains an entry for this variant (Variation ID: 944422). Invitae Evidence Modeling of protein sequence and biophysical properties (such as structural, functional, and spatial information, amino acid conservation, physicochemical variation, residue mobility, and thermodynamic stability) indicates that this missense variant is not expected to disrupt CORO1A protein function with a negative predictive value of 80%. In summary, the available evidence is currently insufficient to determine the role of this variant in disease. Therefore, it has been classified as a Variant of Uncertain Significance.

NM_007074.4(CORO1A):c.1154C>T (p.Ala385Val)

Gene: CORO1A (coronin 1A; plus strand). Cytogenetic location: 16p11.2.
Variant type: single nucleotide variant.
Coding change: c.1154C>T on transcript NM_007074.4 (MANE Select); coding-DNA position 1154, C replaced by T.
Protein change: p.Ala385Val; replaces alanine 385 with valine.
Molecular consequence: missense variant.
Genome position (GRCh38, 1-based): chr16:30,188,449, C>T. VCF-style: chr16-30188449-C-T. GRCh37 (hg19) VCF-style: chr16-30199770-C-T.
Other names: c.1154C>T, p.Ala385Val (NM_001193333.3); short protein forms A385V.
Identifiers: ClinVar variation 944422 (VCV000944422.9), dbSNP rs776691038, ClinGen allele CA8003410.